The following is an entry in ClinVar:

NM_033337.3(CAV3):c.58A>C (p.Lys20Gln)

Gene: CAV3 (caveolin 3; plus strand). Cytogenetic location: 3p25.3.
Variant type: single nucleotide variant.
Coding change: c.58A>C on transcript NM_033337.3 (MANE Select); coding-DNA position 58, A replaced by C.
Protein change: p.Lys20Gln; replaces lysine 20 with glutamine.
Molecular consequence: missense variant.
Genome position (GRCh38, 1-based): chr3:8,733,934, A>C. VCF-style: chr3-8733934-A-C. GRCh37 (hg19) VCF-style: chr3-8775620-A-C.
Other names: c.58A>C, p.Lys20Gln (NM_001234.5); short protein forms K20Q.
Identifiers: ClinVar variation 1715073 (VCV001715073.5), dbSNP rs1707653132, ClinGen allele CA351661386.

ClinVar aggregate classification (germline): Uncertain significance (1 of 4 stars; one submission).

Conditions:
Long QT syndrome (LQTS). Identifiers: MedGen C0023976, MeSH D008133, MONDO:0002442. Disease mechanism: loss of function. Inheritance: Various modes of inheritance.

Submission:

Labcorp Genetics (formerly Invitae), Labcorp
Classification: Uncertain significance for Long QT syndrome. Last evaluated: 2022-09-13. Review status: criteria provided, single submitter. Criteria: Invitae Variant Classification Sherloc (09022015). Collection method: clinical testing. Allele origin: germline.
Comment: Algorithms developed to predict the effect of missense changes on protein structure and function (SIFT, PolyPhen-2, Align-GVGD) all suggest that this variant is likely to be disruptive. In summary, the available evidence is currently insufficient to determine the role of this variant in disease. Therefore, it has been classified as a Variant of Uncertain Significance. This sequence change replaces lysine, which is basic and polar, with glutamine, which is neutral and polar, at codon 20 of the CAV3 protein (p.Lys20Gln). This variant is not present in population databases (gnomAD no frequency). This variant has not been reported in the literature in individuals affected with CAV3-related conditions.